The following is an entry in ClinVar:

NM_004380.3(CREBBP):c.5281T>G (p.Ser1761Ala)

Gene: CREBBP (CREB binding lysine acetyltransferase; minus strand). Cytogenetic location: 16p13.3.
Variant type: single nucleotide variant.
Coding change: c.5281T>G on transcript NM_004380.3 (MANE Select); coding-DNA position 5281, T replaced by G.
Protein change: p.Ser1761Ala; replaces serine 1761 with alanine.
Molecular consequence: missense variant.
Genome position (GRCh38, 1-based): chr16:3,729,766, A>C on the plus strand (T>G on the coding strand, the complement: CREBBP is on the minus strand). VCF-style: chr16-3729766-A-C. GRCh37 (hg19) VCF-style: chr16-3779767-A-C.
Other names: c.5167T>G, p.Ser1723Ala (NM_001079846.1); short protein forms S1723A, S1761A.
Identifiers: ClinVar variation 4983485 (VCV004983485.1).

ClinVar aggregate classification (germline): Uncertain significance (1 of 4 stars; one submission).

Conditions:
CREBBP-related disorder. Also called: CREBBP-related condition; CREBBP-related disorders.

Submission:

PreventionGenetics, part of Exact Sciences
Classification: Uncertain significance for CREBBP-related condition. Last evaluated: 2026-04-20. Review status: criteria provided, single submitter. Criteria: ACMG Guidelines, 2015. Collection method: clinical testing. Allele origin: germline.
Comment: The CREBBP c.5281T>G variant is predicted to result in the amino acid substitution p.Ser1761Ala. To our knowledge, this variant has not been reported in the literature or in a large population database (gnomAD), indicating this variant is rare. At this time, the clinical significance of this variant is uncertain due to the absence of conclusive functional and genetic evidence.